The following is an entry in ClinVar:

NM_005475.3(SH2B3):c.769A>G (p.Ile257Val)

Gene: SH2B3 (SH2B adaptor protein 3; plus strand). Cytogenetic location: 12q24.12.
Variant type: single nucleotide variant.
Coding change: c.769A>G on transcript NM_005475.3 (MANE Select); coding-DNA position 769, A replaced by G.
Protein change: p.Ile257Val; replaces isoleucine 257 with valine.
Molecular consequence: missense variant.
Genome position (GRCh38, 1-based): chr12:111,446,789, A>G. VCF-style: chr12-111446789-A-G. GRCh37 (hg19) VCF-style: chr12-111884593-A-G.
Other names: c.163A>G, p.Ile55Val (NM_001291424.1); short protein forms I55V, I257V.
Identifiers: ClinVar variation 3794996 (VCV003794996.1).

ClinVar aggregate classification (germline): Uncertain significance (1 of 4 stars; one submission).

Conditions:
Inborn genetic diseases. Identifiers: MedGen C0950123, MeSH D030342.

Submission:

Ambry Genetics
Classification: Uncertain significance for Inborn genetic diseases. Last evaluated: 2024-12-14. Review status: criteria provided, single submitter. Criteria: Ambry Variant Classification Scheme 2023. Collection method: clinical testing. Allele origin: germline.
Comment: The p.I257V variant (also known as c.769A>G), located in coding exon 2 of the SH2B3 gene, results from an A to G substitution at nucleotide position 769. The isoleucine at codon 257 is replaced by valine, an amino acid with highly similar properties. This amino acid position is conserved. In addition, this alteration is predicted to be tolerated by in silico analysis. Based on the available evidence, the clinical significance of this variant remains unclear.